The following is an entry in ClinVar:

NM_198834.3(ACACA):c.2970C>T (p.Asn990=)

Gene: ACACA (acetyl-CoA carboxylase alpha; minus strand). Cytogenetic location: 17q12.
Variant type: single nucleotide variant.
Coding change: c.2970C>T on transcript NM_198834.3 (MANE Select); coding-DNA position 2970, C replaced by T.
Protein change: p.Asn990=; no amino-acid change (asparagine 990 retained).
Molecular consequence: synonymous variant.
Genome position (GRCh38, 1-based): chr17:37,242,015, G>A on the plus strand (C>T on the coding strand, the complement: ACACA is on the minus strand). VCF-style: chr17-37242015-G-A. GRCh37 (hg19) VCF-style: chr17-35598931-G-A.
Other names: c.2859C>T, p.Asn953= (NM_198836.3, NM_198839.3); c.2685C>T, p.Asn895= (NM_198837.2); c.2625C>T, p.Asn875= (NM_198838.2).
Identifiers: ClinVar variation 3042828 (VCV003042828.2), dbSNP rs867660985, ClinGen allele CA290194589.

ClinVar aggregate classification (germline): Likely benign (0 of 4 stars; one submission).

Conditions:
ACACA-related disorder. Also called: ACACA-related condition.

Allele frequency attached by ClinVar (database versions not stated): gnomAD exomes 0.00004.
gnomAD v4.1: 22 of 1,613,904 alleles (0.0014%); highest among the groups gnomAD compares: Middle Eastern, 0.36%; no homozygotes.

Submission:

PreventionGenetics, part of Exact Sciences
Classification: Likely benign for ACACA-related condition. Last evaluated: 2019-06-27. Review status: no assertion criteria provided. Collection method: clinical testing. Allele origin: germline.
Comment: This variant is classified as likely benign based on ACMG/AMP sequence variant interpretation guidelines (Richards et al. 2015 PMID: 25741868, with internal and published modifications).